The following is an entry in ClinVar:

ClinVar aggregate classification (germline): Conflicting classifications of pathogenicity. Review status: criteria provided, conflicting classifications (1 of 4 stars). 2 submissions from 2 submitters: Uncertain significance (1); Likely benign (1). Last evaluated 2025-06-17.

Conditions:
Shprintzen-Goldberg syndrome (SGS). Also called: Marfanoid disorder with craniosynostosis type 1; Marfanoid craniosynostosis syndrome; Shprintzen-Goldberg marfanoid syndrome; CRANIOSYNOSTOSIS WITH ARACHNODACTYLY AND ABDOMINAL HERNIAS; SHPRINTZEN-GOLDBERG CRANIOSYNOSTOSIS SYNDROME. Identifiers: Orphanet 2462, MedGen C1321551, MONDO:0008426, OMIM 182212.

Allele frequency attached by ClinVar (database versions not stated): gnomAD 0.00001; TOPMed 0.00001.
gnomAD v4.1: 19 of 1,612,074 alleles (0.0012%); highest among the groups gnomAD compares: East Asian, 0.0067%; no homozygotes.

Submissions (2):

Labcorp Genetics (formerly Invitae), Labcorp
Classification: Uncertain significance for Shprintzen-Goldberg syndrome. Last evaluated: 2025-06-17. Review status: criteria provided, single submitter. Criteria: Invitae Variant Classification Sherloc (09022015). Collection method: clinical testing. Allele origin: germline.
Comment: This sequence change falls in intron 4 of the SKI gene. It does not directly change the encoded amino acid sequence of the SKI protein. It affects a nucleotide within the consensus splice site. This variant is present in population databases (rs780930093, gnomAD 0.006%). This variant has not been reported in the literature in individuals affected with SKI-related conditions. ClinVar contains an entry for this variant (Variation ID: 1427721). Variants that disrupt the consensus splice site are a relatively common cause of aberrant splicing (PMID: 17576681, 9536098). Algorithms developed to predict the effect of sequence changes on RNA splicing suggest that this variant may disrupt the consensus splice site. In summary, the available evidence is currently insufficient to determine the role of this variant in disease. Therefore, it has been classified as a Variant of Uncertain Significance.

Blueprint Genetics
Classification: Likely benign. Last evaluated: 2020-01-09. Review status: criteria provided, single submitter. Criteria: ACMG Guidelines, 2015. Collection method: clinical testing. Allele origin: germline.

Literature cited by the submitters: PubMed 17576681 (cited by Labcorp Genetics (formerly Invitae), Labcorp); PubMed 9536098 (cited by Labcorp Genetics (formerly Invitae), Labcorp).

NM_003036.4(SKI):c.1474+4C>T

Gene: SKI (SKI proto-oncogene; plus strand). Cytogenetic location: 1p36.32.
Variant type: single nucleotide variant.
Coding change: c.1474+4C>T on transcript NM_003036.4 (MANE Select); 4 bases into the intron after coding-DNA position 1474, C replaced by T.
Molecular consequence: intron variant.
Genome position (GRCh38, 1-based): chr1:2,304,106, C>T. VCF-style: chr1-2304106-C-T. GRCh37 (hg19) VCF-style: chr1-2235545-C-T.
Identifiers: ClinVar variation 1427721 (VCV001427721.7), dbSNP rs780930093, ClinGen allele CA536719.